The following is an entry in ClinVar:

ClinVar aggregate classification (germline): Uncertain significance (1 of 4 stars; one submission).

gnomAD v4.1: 8 of 1,545,720 alleles (0.00052%); highest among the groups gnomAD compares: African/African-American, 0.0083%; no homozygotes.

Submission:

GeneDx
Classification: Uncertain significance. Last evaluated: 2024-06-27. Review status: criteria provided, single submitter. Criteria: GeneDx Variant Classification Process June 2021. Collection method: clinical testing. Allele origin: germline. Affected: yes.
Comment: In silico analysis supports that this missense variant has a deleterious effect on protein structure/function; Has not been previously published as pathogenic or benign to our knowledge

NM_001367479.1(DNAH14):c.8938T>G (p.Tyr2980Asp)

Gene: DNAH14 (dynein axonemal heavy chain 14; plus strand). Cytogenetic location: 1q42.12.
Variant type: single nucleotide variant.
Coding change: c.8938T>G on transcript NM_001367479.1 (MANE Select); coding-DNA position 8938, T replaced by G.
Protein change: p.Tyr2980Asp; replaces tyrosine 2980 with aspartic acid.
Molecular consequence: missense variant.
Genome position (GRCh38, 1-based): chr1:225,305,022, T>G. VCF-style: chr1-225305022-T-G. GRCh37 (hg19) VCF-style: chr1-225492724-T-G.
Other names: NM_001373.1:c.8659T>G; short protein forms Y2980D.
Identifiers: ClinVar variation 3392583 (VCV003392583.1).